The following is an entry in ClinVar:

NM_001322934.2(NFKB2):c.2125C>T (p.Pro709Ser)

Gene: NFKB2 (nuclear factor kappa B subunit 2; plus strand). Cytogenetic location: 10q24.32.
Variant type: single nucleotide variant.
Coding change: c.2125C>T on transcript NM_001322934.2 (MANE Select); coding-DNA position 2125, C replaced by T.
Protein change: p.Pro709Ser; replaces proline 709 with serine.
Molecular consequence: missense variant.
Genome position (GRCh38, 1-based): chr10:102,401,233, C>T. VCF-style: chr10-102401233-C-T. GRCh37 (hg19) VCF-style: chr10-104160990-C-T.
Other names: c.2125C>T, p.Pro709Ser (NM_001077493.1, NM_001077494.3, NM_001261403.3 and 2 more transcripts); c.1999C>T, p.Pro667Ser (NM_001322935.1); short protein forms P709S, P667S.
Identifiers: ClinVar variation 2864669 (VCV002864669.3), dbSNP rs761599377, ClinGen allele CA377904155.

ClinVar aggregate classification (germline): Uncertain significance (1 of 4 stars; one submission).

Conditions:
Immunodeficiency, common variable, 10. Also called: DEFICIT IN ANTERIOR PITUITARY FUNCTION AND VARIABLE IMMUNODEFICIENCY; IMMUNODEFICIENCY, COMMON VARIABLE, WITH CENTRAL ADRENAL INSUFFICIENCY. Identifiers: MedGen C3809991, MONDO:0014260, OMIM 615577.

Submission:

Labcorp Genetics (formerly Invitae), Labcorp
Classification: Uncertain significance for Immunodeficiency, common variable, 10. Last evaluated: 2025-10-15. Review status: criteria provided, single submitter. Criteria: Invitae Variant Classification Sherloc (09022015). Collection method: clinical testing. Allele origin: germline.
Comment: This sequence change replaces proline, which is neutral and non-polar, with serine, which is neutral and polar, at codon 709 of the NFKB2 protein (p.Pro709Ser). This variant is not present in population databases (gnomAD no frequency). This variant has not been reported in the literature in individuals affected with NFKB2-related conditions. ClinVar contains an entry for this variant (Variation ID: 2864669). An algorithm developed to predict the effect of missense changes on protein structure and function (PolyPhen-2) suggests that this variant is likely to be tolerated. In summary, the available evidence is currently insufficient to determine the role of this variant in disease. Therefore, it has been classified as a Variant of Uncertain Significance.